The following is an entry in ClinVar:

ClinVar aggregate classification (germline): Uncertain significance (1 of 4 stars; one submission).

Conditions:
Rienhoff syndrome. Also called: LOEYS-DIETZ SYNDROME 5. Identifiers: MedGen C3810012, MONDO:0014262, OMIM 615582.

Submission:

Labcorp Genetics (formerly Invitae), Labcorp
Classification: Uncertain significance for Rienhoff syndrome. Last evaluated: 2025-04-24. Review status: criteria provided, single submitter. Criteria: Invitae Variant Classification Sherloc (09022015). Collection method: clinical testing. Allele origin: germline.
Comment: This sequence change replaces threonine, which is neutral and polar, with serine, which is neutral and polar, at codon 395 of the TGFB3 protein (p.Thr395Ser). This variant is not present in population databases (gnomAD no frequency). This variant has not been reported in the literature in individuals affected with TGFB3-related conditions. Invitae Evidence Modeling of protein sequence and biophysical properties (such as structural, functional, and spatial information, amino acid conservation, physicochemical variation, residue mobility, and thermodynamic stability) indicates that this missense variant is not expected to disrupt TGFB3 protein function with a negative predictive value of 80%. In summary, the available evidence is currently insufficient to determine the role of this variant in disease. Therefore, it has been classified as a Variant of Uncertain Significance.

NM_003239.5(TGFB3):c.1184C>G (p.Thr395Ser)

Gene: TGFB3 (transforming growth factor beta 3; minus strand). Cytogenetic location: 14q24.3.
Variant type: single nucleotide variant.
Coding change: c.1184C>G on transcript NM_003239.5 (MANE Select); coding-DNA position 1184, C replaced by G.
Protein change: p.Thr395Ser; replaces threonine 395 with serine.
Molecular consequence: missense variant.
Genome position (GRCh38, 1-based): chr14:75,959,242, G>C on the plus strand (C>G on the coding strand, the complement: TGFB3 is on the minus strand). VCF-style: chr14-75959242-G-C. GRCh37 (hg19) VCF-style: chr14-76425585-G-C.
Other names: c.1184C>G, p.Thr395Ser (NM_001329939.2); short protein forms T395S.
Identifiers: ClinVar variation 4750612 (VCV004750612.1).